The following is an entry in ClinVar:

NM_152564.5(VPS13B):c.3182G>A (p.Trp1061Ter)

Gene: VPS13B (vacuolar protein sorting 13 homolog B; plus strand). Cytogenetic location: 8q22.2.
Variant type: single nucleotide variant.
Coding change: c.3182G>A on transcript NM_152564.5 (MANE Select); coding-DNA position 3182, G replaced by A.
Protein change: p.Trp1061Ter; replaces tryptophan 1061 with a stop codon.
Molecular consequence: nonsense.
Genome position (GRCh38, 1-based): chr8:99,431,636, G>A. VCF-style: chr8-99431636-G-A. GRCh37 (hg19) VCF-style: chr8-100443864-G-A.
Other names: c.3182G>A, p.Trp1061Ter (NM_017890.5); short protein forms W1061*.
Identifiers: ClinVar variation 5010503 (VCV005010503.1).
Genomic context (GRCh38, chr8:99,431,636, plus strand): 5'-ATATATCTGAAAGCTGTAGAAGTCCTGAAGAAAGAATGAAGGAATTTATTGGAATTGTTT[G>A]GAATGCAGTGAAGCATCTCACACTACAGGTAAAATAAAAGTTAGAAATATTATGGATATA-3'

ClinVar aggregate classification (germline): Pathogenic (1 of 4 stars; one submission).

Conditions:
Cohen syndrome (COH1). Also called: PEPPER SYNDROME; Cutis verticis gyrata, retinitis pigmentosa, and sensorineural deafness. Identifiers: Orphanet 193, MedGen C0265223, MONDO:0008999, OMIM 216550.

Submission:

Myriad Genetics, Inc.
Classification: Pathogenic for Cohen syndrome. Last evaluated: 2024-10-05. Review status: criteria provided, single submitter. Criteria: Myriad Autosomal Dominant, Autosomal Recessive and X-Linked Classification Criteria (2023). Collection method: clinical testing. Allele origin: unknown.
Comment: NM_017890.4(VPS13B):c.3182G>A(W1061*) is expected to be pathogenic in the context of Cohen syndrome. This variant is predicted to lead to an abnormal or absent protein product due to the creation of a premature termination codon in VPS13B, a gene where loss-of-function variants are known to be pathogenic. Please note: this variant was assessed in the context of healthy population screening.